The following is an entry in ClinVar:

NM_012282.4(KCNE5):c.200T>A (p.Met67Lys)

Gene: KCNE5 (potassium voltage-gated channel subfamily E regulatory subunit 5; minus strand). Cytogenetic location: Xq23.
Variant type: single nucleotide variant.
Coding change: c.200T>A on transcript NM_012282.4 (MANE Select); coding-DNA position 200, T replaced by A.
Protein change: p.Met67Lys; replaces methionine 67 with lysine.
Molecular consequence: missense variant.
Genome position (GRCh38, 1-based): chrX:109,624,821, A>T on the plus strand (T>A on the coding strand, the complement: KCNE5 is on the minus strand). VCF-style: chrX-109624821-A-T. GRCh37 (hg19) VCF-style: chrX-108868050-A-T.
Other names: short protein forms M67K.
Identifiers: ClinVar variation 3728607 (VCV003728607.3).

ClinVar aggregate classification (germline): Uncertain significance. Review status: criteria provided, multiple submitters, no conflicts (2 of 4 stars). 2 submissions from 2 submitters: Uncertain significance (2). Last evaluated 2025-03-07.

Conditions:
Brugada syndrome. Also called: Sudden unexpected nocturnal death syndrome; Sudden Unexplained Death Syndrome; Sudden Unexplained Nocturnal Death Syndrome (SUNDS); Sudden unexplained nocturnal death syndrome. Identifiers: Orphanet 130, MedGen C1142166, MONDO:0015263.

Submissions (2):

Women's Health and Genetics/Laboratory Corporation of America, LabCorp
Classification: Uncertain significance. Last evaluated: 2025-03-07. Review status: criteria provided, single submitter. Criteria: LabCorp Variant Classification Summary - May 2015. Collection method: clinical testing. Allele origin: germline.
Comment: Variant summary: KCNE5 c.200T>A (p.Met67Lys) results in a non-conservative amino acid change in the encoded protein sequence. Five of five in-silico tools predict a damaging effect of the variant on protein function. The variant was absent in 181821 control chromosomes (gnomAD). The available data on variant occurrences in the general population are insufficient to allow any conclusion about variant significance. To our knowledge, no occurrence of c.200T>A in individuals affected with Arrhythmia and no experimental evidence demonstrating its impact on protein function have been reported. ClinVar contains an entry for this variant (Variation ID: 3728607). Based on the evidence outlined above, the variant was classified as uncertain significance.

Labcorp Genetics (formerly Invitae), Labcorp
Classification: Uncertain significance for Brugada syndrome. Last evaluated: 2025-01-12. Review status: criteria provided, single submitter. Criteria: Invitae Variant Classification Sherloc (09022015). Collection method: clinical testing. Allele origin: germline.
Comment: This sequence change replaces methionine, which is neutral and non-polar, with lysine, which is basic and polar, at codon 67 of the KCNE5 protein (p.Met67Lys). This variant is not present in population databases (gnomAD no frequency). This variant has not been reported in the literature in individuals affected with KCNE5-related conditions. An algorithm developed to predict the effect of missense changes on protein structure and function (PolyPhen-2) suggests that this variant is likely to be disruptive. In summary, the available evidence is currently insufficient to determine the role of this variant in disease. Therefore, it has been classified as a Variant of Uncertain Significance.